The following is an entry in ClinVar:

ClinVar aggregate classification (germline): Conflicting classifications of pathogenicity. Review status: criteria provided, conflicting classifications (1 of 4 stars). 2 submissions from 2 submitters: Likely pathogenic (1); Uncertain significance (1). Last evaluated 2026-01-26.

Submissions (2):

GeneDx
Classification: Likely pathogenic. Last evaluated: 2026-01-26. Review status: criteria provided, single submitter. Criteria: GeneDx Variant Classification Process June 2021. Collection method: clinical testing. Allele origin: germline.
Comment: Not observed at significant frequency in large population cohorts (gnomAD); In silico analysis supports that this missense variant has a deleterious effect on protein structure/function; Has not been previously published as pathogenic or benign to our knowledge

Labcorp Genetics (formerly Invitae), Labcorp
Classification: Uncertain significance. Last evaluated: 2023-12-17. Review status: criteria provided, single submitter. Criteria: Invitae Variant Classification Sherloc (09022015). Collection method: clinical testing. Allele origin: germline.
Comment: This sequence change replaces arginine, which is basic and polar, with glutamine, which is neutral and polar, at codon 1963 of the KMT2A protein (p.Arg1963Gln). This variant is not present in population databases (gnomAD no frequency). This variant has not been reported in the literature in individuals affected with KMT2A-related conditions. Advanced modeling of protein sequence and biophysical properties (such as structural, functional, and spatial information, amino acid conservation, physicochemical variation, residue mobility, and thermodynamic stability) has been performed at Invitae for this missense variant, however the output from this modeling did not meet the statistical confidence thresholds required to predict the impact of this variant on KMT2A protein function. In summary, the available evidence is currently insufficient to determine the role of this variant in disease. Therefore, it has been classified as a Variant of Uncertain Significance.

NM_001197104.2(KMT2A):c.5888G>A (p.Arg1963Gln)

Gene: KMT2A (lysine methyltransferase 2A; plus strand). Cytogenetic location: 11q23.3.
Variant type: single nucleotide variant.
Coding change: c.5888G>A on transcript NM_001197104.2 (MANE Select); coding-DNA position 5888, G replaced by A.
Protein change: p.Arg1963Gln; replaces arginine 1963 with glutamine.
Molecular consequence: missense variant.
Genome position (GRCh38, 1-based): chr11:118,498,455, G>A. VCF-style: chr11-118498455-G-A. GRCh37 (hg19) VCF-style: chr11-118369170-G-A.
Other names: c.5978G>A, p.Arg1993Gln (NM_001412597.1); c.5879G>A, p.Arg1960Gln (NM_005933.4); short protein forms R1993Q, R1960Q, R1963Q.
Identifiers: ClinVar variation 2703644 (VCV002703644.4), dbSNP rs2134367163, ClinGen allele CA382798838.
Genomic context (GRCh38, chr11:118,498,455, plus strand): 5'-GAGCCACCGTGGGTTGCTGTCTCACATCCTGCACCAGCAACTATCACTTCATGTGTTCCC[G>A]AGCCAAGAACTGTGTCTTTCTGGATGATAAAAAAGTATATTGCCAACGACATCGGGATTT-3'
Protein context (NP_001184033.1, residues 1953-1973): CTSNYHFMCS[Arg1963Gln]AKNCVFLDDK